The following is an entry in ClinVar:

NM_000051.4(ATM):c.4203_4206delinsTTTTAAATGCTTTTT (p.Leu1401fs)

Gene: ATM (ATM serine/threonine kinase; plus strand). Cytogenetic location: 11q22.3.
Variant type: Indel.
Coding change: c.4203_4206delinsTTTTAAATGCTTTTT on transcript NM_000051.4 (MANE Select); coding-DNA positions 4203 to 4206, AAAA replaced by TTTTAAATGCTTTTT.
Protein change: p.Leu1401fs; shifts the reading frame from leucine 1401.
Molecular consequence: frameshift variant.
Genome position (GRCh38, 1-based): chr11:108,289,070-108,289,073, AAAA replaced by TTTTAAATGCTTTTT. VCF-style: chr11-108289070-AAAA-TTTTAAATGCTTTTT. GRCh37 (hg19) VCF-style: chr11-108159797-AAAA-TTTTAAATGCTTTTT.
Other names: c.4203_4206delinsTTTTAAATGCTTTTT, p.Leu1401fs (NM_001351834.2); short protein forms L1401fs.
Identifiers: ClinVar variation 824674 (VCV000824674.4), dbSNP rs1591660745, ClinGen allele CA915944412.

ClinVar aggregate classification (germline): Pathogenic (1 of 4 stars; one submission).

Conditions:
Hereditary cancer-predisposing syndrome. Also called: Neoplastic Syndromes, Hereditary; Tumor predisposition; Hereditary neoplastic syndrome; Hereditary Cancer Syndrome. Identifiers: Orphanet 140162, MedGen C0027672, MeSH D009386, MONDO:0015356.

Submission:

Ambry Genetics
Classification: Pathogenic for Hereditary cancer-predisposing syndrome. Last evaluated: 2019-02-11. Review status: criteria provided, single submitter. Criteria: Ambry Variant Classification Scheme 2023. Collection method: clinical testing. Allele origin: germline.
Comment: The c.4203_4206delAAAAins15 variant, located in coding exon 27 of the ATM gene, results from the deletion of 4 nucleotides and insertion of 15 nucleotides causing a translational frameshift with a predicted alternate stop codon (p.L1401Ffs*9). This alteration is expected to result in loss of function by premature protein truncation or nonsense-mediated mRNA decay. As such, this alteration is interpreted as a disease-causing mutation.